The following is an entry in ClinVar:

NM_000214.3(JAG1):c.3001G>T (p.Ala1001Ser)

Gene: JAG1 (jagged canonical Notch ligand 1; minus strand). Cytogenetic location: 20p12.2.
Variant type: single nucleotide variant.
Coding change: c.3001G>T on transcript NM_000214.3 (MANE Select); coding-DNA position 3001, G replaced by T.
Protein change: p.Ala1001Ser; replaces alanine 1001 with serine.
Molecular consequence: missense variant.
Genome position (GRCh38, 1-based): chr20:10,641,160, C>A on the plus strand (G>T on the coding strand, the complement: JAG1 is on the minus strand). VCF-style: chr20-10641160-C-A. GRCh37 (hg19) VCF-style: chr20-10621808-C-A.
Other names: c.3001G>T (NM_000214.2); short protein forms A1001S.
Identifiers: ClinVar variation 2082965 (VCV002082965.5), dbSNP rs200593413, ClinGen allele CA408244485.
Genomic context (GRCh38, chr20:10,641,160, plus strand): 5'-GTCTTATACTTACAATGGCCACATGTATTTCATTGTTCGCTGAAGGGGAAGGCTCGCAAG[C>A]GATGTAGATTGAATATTCAGCGGAAACATTCTTCAAAATATTCAAATTCCTCAATTCACT-3'
Protein context (NP_000205.1, residues 991-1011): NVSAEYSIYI[Ala1001Ser]CEPSPSANNE

ClinVar aggregate classification (germline): Conflicting classifications of pathogenicity. Review status: criteria provided, conflicting classifications (1 of 4 stars). 2 submissions from 2 submitters: Uncertain significance (1); Likely benign (1). Last evaluated 2025-12-01.

Conditions:
Alagille syndrome due to a JAG1 point mutation. Also called: HEPATIC DUCTULAR HYPOPLASIA, SYNDROMATIC; Alagille Syndrome 1; JAG1-Related Alagille Syndrome. Identifiers: Orphanet 261619, Orphanet 52, MedGen C1956125, MONDO:0016862, OMIM 118450.
Cardiovascular phenotype. Identifiers: MedGen CN230736.

gnomAD v4.1: 1 of 1,613,950 alleles (0.000062%); highest among the groups gnomAD compares: Admixed American, 0.0017%; no homozygotes.

Submissions (2):

Labcorp Genetics (formerly Invitae), Labcorp
Classification: Likely benign for Alagille syndrome due to a JAG1 point mutation. Last evaluated: 2025-12-01. Review status: criteria provided, single submitter. Criteria: Invitae Variant Classification Sherloc (09022015). Collection method: clinical testing. Allele origin: germline.

Ambry Genetics
Classification: Uncertain significance for Cardiovascular phenotype. Last evaluated: 2025-05-15. Review status: criteria provided, single submitter. Criteria: Ambry Variant Classification Scheme 2023. Collection method: clinical testing. Allele origin: germline.
Comment: The p.A1001S variant (also known as c.3001G>T), located in coding exon 24 of the JAG1 gene, results from a G to T substitution at nucleotide position 3001. The alanine at codon 1001 is replaced by serine, an amino acid with similar properties. This amino acid position is conserved. In addition, this alteration is predicted to be tolerated by in silico analysis. Based on the available evidence, the clinical significance of this variant remains unclear.